The following is an entry in ClinVar:

NM_000465.4(BARD1):c.1545C>G (p.Ser515=)

Gene: BARD1 (BRCA1 associated RING domain 1; minus strand). Cytogenetic location: 2q35.
Variant type: single nucleotide variant.
Coding change: c.1545C>G on transcript NM_000465.4 (MANE Select); coding-DNA position 1545, C replaced by G.
Protein change: p.Ser515=; no amino-acid change (serine 515 retained).
Molecular consequence: synonymous variant. On other transcripts: non-coding transcript variant (3), intron variant (3).
Genome position (GRCh38, 1-based): chr2:214,767,505, G>C on the plus strand (C>G on the coding strand, the complement: BARD1 is on the minus strand). VCF-style: chr2-214767505-G-C. GRCh37 (hg19) VCF-style: chr2-215632229-G-C.
Other names: c.1488C>G, p.Ser496= (NM_001282543.2); c.159-14950C>G (NM_001282548.2); c.216-14950C>G (NM_001282545.2); c.364+24792C>G (NM_001282549.2).
Identifiers: ClinVar variation 1035201 (VCV001035201.11), dbSNP rs777715537, ClinGen allele CA431129004.

ClinVar aggregate classification (germline): Benign/Likely benign. Review status: criteria provided, multiple submitters, no conflicts (2 of 4 stars). 3 submissions from 3 submitters: Benign (1); Likely benign (2). Last evaluated 2024-07-25.

Conditions:
Hereditary cancer-predisposing syndrome. Also called: Hereditary neoplastic syndrome; Neoplastic Syndromes, Hereditary; Tumor predisposition; Hereditary Cancer Syndrome. Identifiers: Orphanet 140162, MedGen C0027672, MeSH D009386, MONDO:0015356.
Familial cancer of breast. Also called: Hereditary breast cancer; BREAST CANCER, FAMILIAL; hereditary breast carcinoma. Identifiers: Orphanet 227535, MedGen C0346153, MONDO:0016419, OMIM 114480. Disease mechanism: loss of function.

Submissions (3):

Myriad Genetics, Inc.
Classification: Benign for Familial cancer of breast. Last evaluated: 2024-07-25. Review status: criteria provided, single submitter. Criteria: Myriad Autosomal Dominant, Autosomal Recessive and X-Linked Classification Criteria (2023). Collection method: clinical testing. Allele origin: unknown.
Comment: This variant is considered benign. This variant is a silent/synonymous amino acid change and it is not expected to impact splicing.

Labcorp Genetics (formerly Invitae), Labcorp
Classification: Likely benign for Familial cancer of breast. Last evaluated: 2022-09-07. Review status: criteria provided, single submitter. Criteria: Invitae Variant Classification Sherloc (09022015). Collection method: clinical testing. Allele origin: germline.

Ambry Genetics
Classification: Likely benign for Hereditary cancer-predisposing syndrome. Last evaluated: 2022-02-03. Review status: criteria provided, single submitter. Criteria: Ambry Variant Classification Scheme 2023. Collection method: clinical testing. Allele origin: germline.